The following is an entry in ClinVar:

ClinVar aggregate classification (germline): Uncertain significance (1 of 4 stars; one submission).

Conditions:
FG syndrome (FGS). Identifiers: MedGen C0220769, MONDO:0002010.

Submission:

Labcorp Genetics (formerly Invitae), Labcorp
Classification: Uncertain significance for FG syndrome. Last evaluated: 2025-04-27. Review status: criteria provided, single submitter. Criteria: Invitae Variant Classification Sherloc (09022015). Collection method: clinical testing. Allele origin: germline.
Comment: This sequence change replaces histidine, which is basic and polar, with aspartic acid, which is acidic and polar, at codon 2078 of the MED12 protein (p.His2078Asp). This variant is not present in population databases (gnomAD no frequency). This variant has not been reported in the literature in individuals affected with MED12-related conditions. Invitae Evidence Modeling of protein sequence and biophysical properties (such as structural, functional, and spatial information, amino acid conservation, physicochemical variation, residue mobility, and thermodynamic stability) indicates that this missense variant is not expected to disrupt MED12 protein function with a negative predictive value of 95%. In summary, the available evidence is currently insufficient to determine the role of this variant in disease. Therefore, it has been classified as a Variant of Uncertain Significance.

NM_005120.3(MED12):c.6232C>G (p.His2078Asp)

Gene: MED12 (mediator complex subunit 12; plus strand). Cytogenetic location: Xq13.1.
Variant type: single nucleotide variant.
Coding change: c.6232C>G on transcript NM_005120.3 (MANE Select); coding-DNA position 6232, C replaced by G.
Protein change: p.His2078Asp; replaces histidine 2078 with aspartic acid.
Molecular consequence: missense variant.
Genome position (GRCh38, 1-based): chrX:71,140,822, C>G. VCF-style: chrX-71140822-C-G. GRCh37 (hg19) VCF-style: chrX-70360672-C-G.
Other names: short protein forms H2078D.
Identifiers: ClinVar variation 4801089 (VCV004801089.1).